The following is an entry in ClinVar:

ClinVar aggregate classification (germline): Uncertain significance (1 of 4 stars; one submission).

Conditions:
Neuropathy, hereditary sensory and autonomic, type 2A (HSAN2A). Also called: ACROOSTEOLYSIS, GIACCAI TYPE; ACROOSTEOLYSIS, NEUROGENIC; MORVAN DISEASE; NEUROPATHY, CONGENITAL SENSORY; NEUROPATHY, HEREDITARY SENSORY RADICULAR, AUTOSOMAL RECESSIVE; NEUROPATHY, HEREDITARY SENSORY, TYPE IIA. Identifiers: Orphanet 970, MedGen C2752089, MONDO:0024309, OMIM 201300.
Pseudohypoaldosteronism type 2C (PHA2C). Also called: Pseudohypoaldosteronism Type IIC. Identifiers: Orphanet 757, Orphanet 88940, MedGen C1840391, MONDO:0013778, OMIM 614492.

Submission:

Labcorp Genetics (formerly Invitae), Labcorp
Classification: Uncertain significance for Neuropathy, hereditary sensory and autonomic, type 2A; Pseudohypoaldosteronism type 2C. Last evaluated: 2025-12-27. Review status: criteria provided, single submitter. Criteria: Invitae Variant Classification Sherloc (09022015). Collection method: clinical testing. Allele origin: germline.
Comment: This sequence change replaces glutamine, which is neutral and polar, with glutamic acid, which is acidic and polar, at codon 2577 of the WNK1 protein (p.Gln2577Glu). This variant is not present in population databases (gnomAD no frequency). This variant has not been reported in the literature in individuals affected with WNK1-related conditions. Invitae Evidence Modeling of protein sequence and biophysical properties (such as structural, functional, and spatial information, amino acid conservation, physicochemical variation, residue mobility, and thermodynamic stability) indicates that this missense variant is not expected to disrupt WNK1 protein function with a negative predictive value of 95%. In summary, the available evidence is currently insufficient to determine the role of this variant in disease. Therefore, it has been classified as a Variant of Uncertain Significance.

NM_018979.4(WNK1):c.6973C>G (p.Gln2325Glu)

Gene: WNK1 (WNK lysine deficient protein kinase 1; plus strand). Cytogenetic location: 12p13.33.
Variant type: single nucleotide variant.
Coding change: c.6973C>G on transcript NM_018979.4 (MANE Select); coding-DNA position 6973, C replaced by G.
Protein change: p.Gln2325Glu; replaces glutamine 2325 with glutamic acid.
Molecular consequence: missense variant.
Genome position (GRCh38, 1-based): chr12:908,616, C>G. VCF-style: chr12-908616-C-G. GRCh37 (hg19) VCF-style: chr12-1017782-C-G.
Other names: c.7753C>G, p.Gln2585Glu (NM_001184985.2); c.6229C>G, p.Gln2077Glu (NM_014823.3); c.7729C>G, p.Gln2577Glu (NM_213655.5); short protein forms Q2577E, Q2077E, Q2585E, Q2325E.
Identifiers: ClinVar variation 4793148 (VCV004793148.1).